The following is an entry in ClinVar:

NM_018136.5(ASPM):c.4463G>A (p.Arg1488Lys)

Gene: ASPM (assembly factor for spindle microtubules; minus strand). Cytogenetic location: 1q31.3.
Variant type: single nucleotide variant.
Coding change: c.4463G>A on transcript NM_018136.5 (MANE Select); coding-DNA position 4463, G replaced by A.
Protein change: p.Arg1488Lys; replaces arginine 1488 with lysine.
Molecular consequence: missense variant. On other transcripts: intron variant (1).
Genome position (GRCh38, 1-based): chr1:197,104,788, C>T on the plus strand (G>A on the coding strand, the complement: ASPM is on the minus strand). VCF-style: chr1-197104788-C-T. GRCh37 (hg19) VCF-style: chr1-197073918-C-T.
Other names: c.4066-8624G>A (NM_001206846.2); short protein forms R1488K.
Identifiers: ClinVar variation 2080175 (VCV002080175.4), dbSNP rs2527305560, ClinGen allele CA344030337.
Genomic context (GRCh38, chr1:197,104,788, plus strand): 5'-TTATATAACTTTTGGGCTTGAAAGCACCGAAATCTTTTCTGAATGATAACAACACAAGAT[C>T]TAATATAAATATATTTCCGTAATTCTTTATGCATTCTATACCATGATTGTATGATAATAG-3'
Protein context (NP_060606.3, residues 1478-1498): HKELRKYIYI[Arg1488Lys]SCVVIIQKRF

ClinVar aggregate classification (germline): Uncertain significance (1 of 4 stars; one submission).

Allele frequency attached by ClinVar (database versions not stated): gnomAD exomes below 0.00001.
gnomAD v4.1: 3 of 1,588,036 alleles (0.00019%); highest among the groups gnomAD compares: Non-Finnish European, 0.00026%; no homozygotes.

Submission:

Labcorp Genetics (formerly Invitae), Labcorp
Classification: Uncertain significance. Last evaluated: 2022-07-19. Review status: criteria provided, single submitter. Criteria: Invitae Variant Classification Sherloc (09022015). Collection method: clinical testing. Allele origin: germline.
Comment: This variant has not been reported in the literature in individuals affected with ASPM-related conditions. Algorithms developed to predict the effect of missense changes on protein structure and function output the following: SIFT: "Tolerated"; PolyPhen-2: "Benign"; Align-GVGD: "Class C0". The lysine amino acid residue is found in multiple mammalian species, which suggests that this missense change does not adversely affect protein function. This variant is not present in population databases (gnomAD no frequency). This sequence change replaces arginine, which is basic and polar, with lysine, which is basic and polar, at codon 1488 of the ASPM protein (p.Arg1488Lys). In summary, the available evidence is currently insufficient to determine the role of this variant in disease. Therefore, it has been classified as a Variant of Uncertain Significance.